The following is an entry in ClinVar:

ClinVar aggregate classification (germline): Uncertain significance (1 of 4 stars; one submission).

Conditions:
Inborn genetic diseases. Identifiers: MedGen C0950123, MeSH D030342.

Submission:

Ambry Genetics
Classification: Uncertain significance for Inborn genetic diseases. Last evaluated: 2024-11-28. Review status: criteria provided, single submitter. Criteria: Ambry Variant Classification Scheme 2023. Collection method: clinical testing. Allele origin: germline.
Comment: The p.E1181K variant (also known as c.3541G>A), located in coding exon 14 of the FANCM gene, results from a G to A substitution at nucleotide position 3541. The glutamic acid at codon 1181 is replaced by lysine, an amino acid with similar properties. This amino acid position is conserved. In addition, this alteration is predicted to be tolerated by in silico analysis. Based on the available evidence, the clinical significance of this variant remains unclear.

NM_020937.4(FANCM):c.3541G>A (p.Glu1181Lys)

Gene: FANCM (FA complementation group M; plus strand). Cytogenetic location: 14q21.2.
Variant type: single nucleotide variant.
Coding change: c.3541G>A on transcript NM_020937.4 (MANE Select); coding-DNA position 3541, G replaced by A.
Protein change: p.Glu1181Lys; replaces glutamic acid 1181 with lysine.
Molecular consequence: missense variant.
Genome position (GRCh38, 1-based): chr14:45,176,295, G>A. VCF-style: chr14-45176295-G-A. GRCh37 (hg19) VCF-style: chr14-45645498-G-A.
Other names: c.3463G>A, p.Glu1155Lys (NM_001308133.2); short protein forms E1155K, E1181K.
Identifiers: ClinVar variation 3512942 (VCV003512942.1).
Genomic context (GRCh38, chr14:45,176,295, plus strand): 5'-GTGTCAGACAAAACTGCTATTAGTGAAACGCCTCTGGTCTCTCAGTTCTTAATTTCTGAT[G>A]AACTTTTGTTGGACAATAATTCTGAACTCCAAGATCAAATCACCCGTGATGCTAATAGTT-3'
Protein context (NP_065988.1, residues 1171-1191): PLVSQFLISD[Glu1181Lys]LLLDNNSELQ